The following is an entry in ClinVar:

ClinVar aggregate classification (germline): Likely benign (1 of 4 stars; one submission).

Conditions:
TMEM67-related disorder. Also called: TMEM67-related condition; TMEM67-related disorders. Identifiers: MedGen CN239423.

Submission:

PreventionGenetics, part of Exact Sciences
Classification: Likely benign for TMEM67-related condition. Last evaluated: 2026-08-24. Review status: criteria provided, single submitter. Criteria: ACMG Guidelines, 2015. Collection method: clinical testing. Allele origin: germline.
Comment: This variant is classified as likely benign based on ACMG/AMP sequence variant interpretation guidelines (Richards et al. 2015 PMID: 25741868, with internal and published modifications).

NM_153704.6(TMEM67):c.2557-6C>T

Gene: TMEM67 (transmembrane protein 67; plus strand). Cytogenetic location: 8q22.1.
Variant type: single nucleotide variant.
Coding change: c.2557-6C>T on transcript NM_153704.6 (MANE Select); 6 bases into the intron before coding-DNA position 2557, C replaced by T.
Molecular consequence: intron variant.
Genome position (GRCh38, 1-based): chr8:93,809,051, C>T. VCF-style: chr8-93809051-C-T. GRCh37 (hg19) VCF-style: chr8-94821279-C-T.
Other names: c.2314-6C>T (NM_001142301.1).
Identifiers: ClinVar variation 4993288 (VCV004993288.1).